The following is an entry in ClinVar:

ClinVar aggregate classification (germline): Conflicting classifications of pathogenicity. Review status: criteria provided, conflicting classifications (1 of 4 stars). 2 submissions from 2 submitters: Uncertain significance (1); Likely benign (1). Last evaluated 2022-06-27.

Allele frequency attached by ClinVar (database versions not stated): gnomAD exomes 0.00001; TOPMed 0.00002.
gnomAD v4.1: 11 of 1,612,262 alleles (0.00068%); highest among the groups gnomAD compares: East Asian, 0.0022%; no homozygotes.

Submissions (2):

Labcorp Genetics (formerly Invitae), Labcorp
Classification: Uncertain significance. Last evaluated: 2022-06-27. Review status: criteria provided, single submitter. Criteria: Invitae Variant Classification Sherloc (09022015). Collection method: clinical testing. Allele origin: germline.
Comment: This sequence change replaces arginine, which is basic and polar, with lysine, which is basic and polar, at codon 1438 of the USH2A protein (p.Arg1438Lys). This variant is present in population databases (no rsID available, gnomAD 0.003%). This variant has not been reported in the literature in individuals affected with USH2A-related conditions. ClinVar contains an entry for this variant (Variation ID: 228214). Algorithms developed to predict the effect of missense changes on protein structure and function output the following: SIFT: "Deleterious"; PolyPhen-2: "Benign"; Align-GVGD: "Class C0". The lysine amino acid residue is found in multiple mammalian species, which suggests that this missense change does not adversely affect protein function. In summary, the available evidence is currently insufficient to determine the role of this variant in disease. Therefore, it has been classified as a Variant of Uncertain Significance.

Laboratory for Molecular Medicine, Mass General Brigham Personalized Medicine
Classification: Likely benign. Last evaluated: 2016-01-07. Review status: criteria provided, single submitter. Criteria: LMM Criteria. Collection method: clinical testing. Allele origin: germline. Observed: 1 variant allele.
Comment: p.Arg1438Lys is exon 20 of USH2A: This variant is not expected to have clinical significance due to a lack of conservation across species, including mammals. Of note, 4 mammals (white rhinoceros, star-nosed mole, tenrec, wallaby) have a Lys ine (Lys) at this position despite high nearby amino acid conservation. In addit ion, computational analyses do not suggest a high likelihood of impact to the pr otein.

NM_206933.4(USH2A):c.4313G>A (p.Arg1438Lys)

Gene: USH2A (usherin; minus strand). Cytogenetic location: 1q41.
Variant type: single nucleotide variant.
Coding change: c.4313G>A on transcript NM_206933.4 (MANE Select); coding-DNA position 4313, G replaced by A.
Protein change: p.Arg1438Lys; replaces arginine 1438 with lysine.
Molecular consequence: missense variant.
Genome position (GRCh38, 1-based): chr1:216,190,306, C>T on the plus strand (G>A on the coding strand, the complement: USH2A is on the minus strand). VCF-style: chr1-216190306-C-T. GRCh37 (hg19) VCF-style: chr1-216363648-C-T.
Other names: c.4313G>A, p.Arg1438Lys (NM_007123.6); short protein forms R1438K.
Identifiers: ClinVar variation 228214 (VCV000228214.11), dbSNP rs876657627, ClinGen allele CA10576385.